The following is an entry in ClinVar:

ClinVar aggregate classification (germline): Conflicting classifications of pathogenicity. Review status: criteria provided, conflicting classifications (1 of 4 stars). 8 submissions from 8 submitters: Uncertain significance (1); Benign (1); Likely benign (5). 1 of the submissions does not count toward it. Last evaluated 2026-01-30.

Conditions:
ALDH18A1-related de Barsy syndrome. Also called: Cutis laxa, autosomal recessive IIIA; DE BARSY SYNDROME A. Identifiers: Orphanet 2962, Orphanet 35664, MedGen C5234852, MONDO:0009053, OMIM 219150.
Cutis laxa, autosomal dominant 3 (ADCL3). Identifiers: Orphanet 90348, MedGen C4225268, MONDO:0014706, OMIM 616603.
Autosomal dominant spastic paraplegia type 9. Identifiers: MedGen C1832669, MONDO:0015091.
de Barsy syndrome. Also called: Cutis laxa-corneal clouding-oligophrenia syndrome. Identifiers: Orphanet 2962, MedGen C0268354, MONDO:0017569.
ALDH18A1-related disorder. Also called: ALDH18A1-related disorders.
Hereditary spastic paraplegia. Also called: Familial spastic paraparesis. Identifiers: Orphanet 685, MedGen C0037773, MONDO:0019064. Disease mechanism: loss of function.

Allele frequency attached by ClinVar (database versions not stated): 1000 Genomes Project 30x 0.00031; 1000 Genomes Project 0.00040; TOPMed 0.00096; ESP Exome Variant Server 0.00108; gnomAD 0.00109 and 0.00112; gnomAD exomes 0.00123 and 0.00131; ExAC 0.00133.
gnomAD v4.1: 2,063 of 1,614,124 alleles (0.13%); highest among the groups gnomAD compares: Non-Finnish European, 0.15%; no homozygotes.

Submissions (8):

Labcorp Genetics (formerly Invitae), Labcorp
Classification: Benign for Autosomal dominant spastic paraplegia type 9; de Barsy syndrome; Cutis laxa, autosomal dominant 3. Last evaluated: 2026-01-30. Review status: criteria provided, single submitter. Criteria: Invitae Variant Classification Sherloc (09022015). Collection method: clinical testing. Allele origin: germline.

Mayo Clinic Laboratories, Mayo Clinic
Classification: Likely benign. Last evaluated: 2025-07-14. Review status: criteria provided, single submitter. Criteria: ACMG Guidelines, 2015. Collection method: clinical testing. Allele origin: germline. Observed: 6 variant alleles.
Comment: BS1, BP4, BP7

CeGaT Center for Human Genetics Tuebingen
Classification: Likely benign. Last evaluated: 2025-01-01. Review status: criteria provided, single submitter. Criteria: CeGaT Center For Human Genetics Tuebingen Variant Classification Criteria Version 2. Collection method: clinical testing. Allele origin: germline. Affected: yes. Observed: 4 variant alleles.
Comment: ALDH18A1: BP4, BS1

Blueprint Genetics
Classification: Likely benign. Last evaluated: 2024-11-08. Review status: criteria provided, single submitter. Criteria: ACMG Guidelines, 2015. Collection method: clinical testing. Allele origin: germline.

GeneDx
Classification: Likely benign. Last evaluated: 2022-03-16. Review status: criteria provided, single submitter. Criteria: GeneDx Variant Classification Process June 2021. Collection method: clinical testing. Allele origin: germline. Affected: yes.

Genome Diagnostics Laboratory, The Hospital for Sick Children
Classification: Likely benign for Hereditary spastic paraplegia. Last evaluated: 2021-12-01. Review status: criteria provided, single submitter. Criteria: ACMG Guidelines, 2015. Collection method: clinical testing. Allele origin: germline. Affected: yes.

Illumina Laboratory Services, Illumina
Classification: Uncertain significance for ALDH18A1-related de Barsy syndrome. Last evaluated: 2018-01-13. Review status: criteria provided, single submitter. Criteria: ICSL Variant Classification Criteria 13 December 2019. Collection method: clinical testing. Allele origin: germline.

PreventionGenetics, part of Exact Sciences
Classification: Likely benign for ALDH18A1-related condition. Last evaluated: 2019-10-29. Review status: no assertion criteria provided. Collection method: clinical testing. Allele origin: germline. Not counted in ClinVar's aggregate classification.
Comment: This variant is classified as likely benign based on ACMG/AMP sequence variant interpretation guidelines (Richards et al. 2015 PMID: 25741868, with internal and published modifications).

NM_002860.4(ALDH18A1):c.1308G>A (p.Leu436=)

Gene: ALDH18A1 (aldehyde dehydrogenase 18 family member A1; minus strand). Cytogenetic location: 10q24.1.
Variant type: single nucleotide variant.
Coding change: c.1308G>A on transcript NM_002860.4 (MANE Select); coding-DNA position 1308, G replaced by A.
Protein change: p.Leu436=; no amino-acid change (leucine 436 retained).
Molecular consequence: synonymous variant.
Genome position (GRCh38, 1-based): chr10:95,621,190, C>T on the plus strand (G>A on the coding strand, the complement: ALDH18A1 is on the minus strand). VCF-style: chr10-95621190-C-T. GRCh37 (hg19) VCF-style: chr10-97380947-C-T.
Other names: p.Leu436=; c.1302G>A, p.Leu434= (NM_001017423.2, NM_001323415.2); c.975G>A, p.Leu325= (NM_001323412.2, NM_001323416.2); c.1308G>A, p.Leu436= (NM_001323413.2, NM_001323414.2); c.1203G>A, p.Leu401= (NM_001323417.2); c.969G>A, p.Leu323= (NM_001323418.2); c.672G>A, p.Leu224= (NM_001323419.2).
Identifiers: ClinVar variation 301768 (VCV000301768.56), dbSNP rs144816455, ClinGen allele CA5620356.